The following is an entry in ClinVar:

NM_000535.7(PMS2):c.2211T>C (p.Ala737=)

Gene: PMS2 (PMS1 homolog 2, mismatch repair system component; minus strand). Cytogenetic location: 7p22.1.
Variant type: single nucleotide variant.
Coding change: c.2211T>C on transcript NM_000535.7 (MANE Select); coding-DNA position 2211, T replaced by C.
Protein change: p.Ala737=; no amino-acid change (alanine 737 retained).
Molecular consequence: synonymous variant. On other transcripts: non-coding transcript variant (1).
Genome position (GRCh38, 1-based): chr7:5,978,660, A>G on the plus strand (T>C on the coding strand, the complement: PMS2 is on the minus strand). VCF-style: chr7-5978660-A-G. GRCh37 (hg19) VCF-style: chr7-6018291-A-G.
Other names: c.1806T>C, p.Ala602= (NM_001322003.2, NM_001322004.2, NM_001322005.2 and 1 more transcripts); c.2055T>C, p.Ala685= (NM_001322006.2); c.1893T>C, p.Ala631= (NM_001322007.2, NM_001322008.2); c.1650T>C, p.Ala550= (NM_001322010.2); c.1278T>C, p.Ala426= (NM_001322011.2, NM_001322012.2); c.1638T>C, p.Ala546= (NM_001322013.2); c.2211T>C, p.Ala737= (NM_001322014.2); c.1902T>C, p.Ala634= (NM_001322015.2).
Identifiers: ClinVar variation 1124743 (VCV001124743.13), dbSNP rs2128683220, ClinGen allele CA453642702.

ClinVar aggregate classification (germline): Benign/Likely benign. Review status: criteria provided, multiple submitters, no conflicts (2 of 4 stars). 3 submissions from 3 submitters: Benign (1); Likely benign (2). Last evaluated 2025-02-03.

Conditions:
Lynch syndrome 4 (LYNCH4). Also called: Colorectal cancer, hereditary nonpolyposis, type 4; Hereditary non-polyposis colorectal cancer, type 4. Identifiers: Orphanet 144, MedGen C1838333, MONDO:0013699, OMIM 614337. Disease mechanism: loss of function.
Hereditary nonpolyposis colorectal neoplasms. Identifiers: MedGen C0009405, MeSH D003123.
Hereditary cancer-predisposing syndrome. Also called: Hereditary neoplastic syndrome; Neoplastic Syndromes, Hereditary; Tumor predisposition; Hereditary Cancer Syndrome. Identifiers: Orphanet 140162, MedGen C0027672, MeSH D009386, MONDO:0015356.

Submissions (3):

Myriad Genetics, Inc.
Classification: Benign for Lynch syndrome 4. Last evaluated: 2025-02-03. Review status: criteria provided, single submitter. Criteria: Myriad Autosomal Dominant, Autosomal Recessive and X-Linked Classification Criteria (2023). Collection method: clinical testing. Allele origin: unknown.
Comment: This variant is considered benign. This variant is a silent/synonymous amino acid change and it is not expected to impact splicing.

Labcorp Genetics (formerly Invitae), Labcorp
Classification: Likely benign for Hereditary nonpolyposis colorectal neoplasms. Last evaluated: 2024-02-19. Review status: criteria provided, single submitter. Criteria: Invitae Variant Classification Sherloc (09022015). Collection method: clinical testing. Allele origin: germline.

Ambry Genetics
Classification: Likely benign for Hereditary cancer-predisposing syndrome. Last evaluated: 2020-03-17. Review status: criteria provided, single submitter. Criteria: Ambry Variant Classification Scheme 2023. Collection method: clinical testing. Allele origin: germline.